The following is an entry in ClinVar:

NM_003001.5(SDHC):c.118dup (p.Arg40fs)

Gene: SDHC (succinate dehydrogenase complex subunit C; plus strand). Cytogenetic location: 1q23.3.
Variant type: Duplication.
Coding change: c.118dup on transcript NM_003001.5 (MANE Select); coding-DNA position 118, one base duplicated (C; older notation c.118dupC).
Protein change: p.Arg40fs; shifts the reading frame from arginine 40.
Molecular consequence: frameshift variant. On other transcripts: non-coding transcript variant (1), intron variant (4).
Genome position (GRCh38, 1-based): chr1:161,328,436, C duplicated. VCF-style (leftmost placement, unchanged base first): chr1-161328435-G-GC. GRCh37 (hg19) VCF-style: chr1-161298225-G-GC.
Other names: c.118dup, p.Arg40fs (NM_001035511.3, NM_001407115.1); c.61dup, p.Arg21fs (NM_001407116.1, NM_001407117.1, NM_001407121.1); c.7dup, p.Arg3fs (NM_001407119.1, NM_001407120.1); c.77+4766dup (NM_001035512.3, NM_001278172.3, NM_001407118.1); c.21-12158dup (NM_001035513.3); short protein forms R21fs, R3fs, R40fs.
Identifiers: ClinVar variation 3254373 (VCV003254373.1), dbSNP rs2526364668.

ClinVar aggregate classification (germline): Pathogenic (1 of 4 stars; one submission).

Conditions:
Pheochromocytoma/paraganglioma syndrome 3. Also called: GLOMUS TUMORS, FAMILIAL, 3; Paragangliomas 3; SDHC-Related Hereditary Paraganglioma-Pheochromocytoma Syndrome (Paragangliomas 3); SDHC-Related Hereditary Paraganglioma-Pheochromocytoma Syndrome. Identifiers: Orphanet 29072, MedGen C1854336, MONDO:0011544, OMIM 605373.

Submission:

Myriad Genetics, Inc.
Classification: Pathogenic for Pheochromocytoma/paraganglioma syndrome 3. Last evaluated: 2024-04-22. Review status: criteria provided, single submitter. Criteria: Myriad Autosomal Dominant, Autosomal Recessive and X-Linked Classification Criteria (2023). Collection method: clinical testing. Allele origin: unknown.
Comment: This variant is considered pathogenic. This variant creates a frameshift predicted to result in premature protein truncation.